The following is an entry in ClinVar:

NM_152490.5(B3GALNT2):c.1209_1257dup (p.Lys420fs)

Gene: B3GALNT2 (beta-1,3-N-acetylgalactosaminyltransferase 2; minus strand). Cytogenetic location: 1q42.3.
Variant type: Duplication.
Coding change: c.1209_1257dup on transcript NM_152490.5 (MANE Select); coding-DNA positions 1209 to 1257, 49 bases duplicated.
Protein change: p.Lys420fs; shifts the reading frame from lysine 420.
Molecular consequence: frameshift variant.
Genome position (GRCh38, 1-based): chr1:235,454,210-235,454,258, 49 bases duplicated; duplicating any 49 consecutive bases within chr1:235,454,210-235,454,260 gives the same sequence; the c. name uses the placement nearest the transcript's 3' end. GRCh37 (hg19): chr1:235,617,524-235,617,572.
Other names: short protein forms K420fs.
Identifiers: ClinVar variation 2034759 (VCV002034759.4), dbSNP rs2527148458, ClinGen allele CA2580062296.
Genomic context (GRCh38, chr1:235,454,209, plus strand): 5'-TAATTACCTGATAGGTCTTTAACCTCCCCGAGTTGCTTGCCAGCCACTTGACGATGTCCT[T>TGGAGATCACATATCCTGACCCACATGCAAAGGCAGGGTAAGCGGGGCTC]GGAGATCACATATCCTGACCCACATGCAAAGGCAGGGTAAGCGGGGCTCGGGTACTCCAA-3'

ClinVar aggregate classification (germline): Pathogenic (1 of 4 stars; one submission).

Conditions:
Muscular dystrophy-dystroglycanopathy (congenital with brain and eye anomalies), type a, 11 (MDDGA11). Also called: Congenital muscular dystrophy-dystroglycanopathy with brain and eye anomalies, type A11; WALKER-WARBURG SYNDROME OR MUSCLE-EYE-BRAIN DISEASE, B3GALNT2-RELATED; Muscular dystrophy-dystroglycanopathy (congenital with brain and eye anomalies, type A, 11. Identifiers: Orphanet 588, Orphanet 899, MedGen C3554638, MONDO:0014071, OMIM 615181.

Submission:

Labcorp Genetics (formerly Invitae), Labcorp
Classification: Pathogenic for Muscular dystrophy-dystroglycanopathy (congenital with brain and eye anomalies), type a, 11. Last evaluated: 2022-10-08. Review status: criteria provided, single submitter. Criteria: Invitae Variant Classification Sherloc (09022015). Collection method: clinical testing. Allele origin: germline.
Comment: For these reasons, this variant has been classified as Pathogenic. This variant disrupts a region of the B3GALNT2 protein in which other variant(s) (p.Pro474del) have been determined to be pathogenic (PMID: 26663670, 33290285). This suggests that this is a clinically significant region of the protein, and that variants that disrupt it are likely to be disease-causing. Algorithms developed to predict the effect of sequence changes on RNA splicing suggest that this variant may disrupt the consensus splice site. This variant has not been reported in the literature in individuals affected with B3GALNT2-related conditions. This variant is not present in population databases (gnomAD no frequency). This sequence change creates a premature translational stop signal (p.Lys420Glufs*36) in the B3GALNT2 gene. While this is not anticipated to result in nonsense mediated decay, it is expected to disrupt the last 81 amino acid(s) of the B3GALNT2 protein.

Literature cited by the submitters: PubMed 26663670; PubMed 33290285.